The following is an entry in ClinVar:

ClinVar aggregate classification (germline): Pathogenic/Likely pathogenic. Review status: criteria provided, multiple submitters, no conflicts (2 of 4 stars). 2 submissions from 2 submitters: Pathogenic (1); Likely pathogenic (1). Last evaluated 2019-06-28.

Conditions:
Generalized hypotonia. Identifiers: MedGen C1858120, HP:0001290.
Apnea. Identifiers: MedGen C0003578, HP:0002104.
Limb dystonia. Identifiers: MedGen C0751093, HP:0002451.
PURA-related severe neonatal hypotonia-seizures-encephalopathy syndrome (NEDRIHF). Also called: PURA-Related Neurodevelopmental Disorders; NEURODEVELOPMENTAL DISORDER WITH NEONATAL RESPIRATORY INSUFFICIENCY, HYPOTONIA, AND FEEDING DIFFICULTIES. Identifiers: Orphanet 438213, Orphanet 438216, MedGen C4015357, MONDO:1060108, OMIM 616158, MONDO:0018580.

Submissions (2):

Breda Genetics srl
Classification: Likely pathogenic for Generalized hypotonia; Apnea; Limb dystonia. Last evaluated: 2019-06-28. Review status: criteria provided, single submitter. Criteria: ACMG Guidelines, 2015. Collection method: clinical testing. Allele origin: unknown. Inheritance: Autosomal dominant inheritance. Affected: yes. Observed: 1 variant allele, 1 heterozygote.
Comment: This variant introduces a premature stop codon at amino acid position Glu214, which may result in a truncated protein or protein loss due to nonsense-mediated messenger decay (NMD). This variant is not reported in dbSNP, gnomAD, 1000 Genomes, or NHLI Exome Sequencing Project (ESP). Pathogenic nonsense mutations in the PURA gene have been previously reported (ClinVar). Almost all pathogenic variants thus far reported are de novo (Reijnders et al., 2017, PMID: 28448108).

Institute of Human Genetics Munich, TUM University Hospital
Classification: Pathogenic for PURA-related severe neonatal hypotonia-seizures-encephalopathy syndrome. Last evaluated: 2018-03-13. Review status: criteria provided, single submitter. Criteria: Classification criteria August 2017. Collection method: clinical testing. Allele origin: de novo. Inheritance: Autosomal dominant inheritance. Affected: yes. Observed: 1 heterozygote.

NM_005859.5(PURA):c.640G>T (p.Glu214Ter)

Gene: PURA (purine rich element binding protein A; plus strand). Cytogenetic location: 5q31.3.
Variant type: single nucleotide variant.
Coding change: c.640G>T on transcript NM_005859.5 (MANE Select); coding-DNA position 640, G replaced by T.
Protein change: p.Glu214Ter; replaces glutamic acid 214 with a stop codon.
Molecular consequence: nonsense.
Genome position (GRCh38, 1-based): chr5:140,114,821, G>T. VCF-style: chr5-140114821-G-T. GRCh37 (hg19) VCF-style: chr5-139494406-G-T.
Other names: short protein forms E214*.
Identifiers: ClinVar variation 635405 (VCV000635405.6), dbSNP rs1581036558, ClinGen allele CA361491213.